The following is an entry in ClinVar:

NM_006766.5(KAT6A):c.4475A>G (p.Gln1492Arg)

Gene: KAT6A (lysine acetyltransferase 6A; minus strand). Cytogenetic location: 8p11.21.
Variant type: single nucleotide variant.
Coding change: c.4475A>G on transcript NM_006766.5 (MANE Select); coding-DNA position 4475, A replaced by G.
Protein change: p.Gln1492Arg; replaces glutamine 1492 with arginine.
Molecular consequence: missense variant.
Genome position (GRCh38, 1-based): chr8:41,933,745, T>C on the plus strand (A>G on the coding strand, the complement: KAT6A is on the minus strand). VCF-style: chr8-41933745-T-C. GRCh37 (hg19) VCF-style: chr8-41791263-T-C.
Other names: c.4475A>G (NM_006766.3); short protein forms Q1492R.
Identifiers: ClinVar variation 2071847 (VCV002071847.6), dbSNP rs371143386, ClinGen allele CA4729474.

ClinVar aggregate classification (germline): Conflicting classifications of pathogenicity. Review status: criteria provided, conflicting classifications (1 of 4 stars). 3 submissions from 3 submitters: Uncertain significance (1); Likely benign (2). Last evaluated 2025-09-04.

Conditions:
Inborn genetic diseases. Identifiers: MedGen C0950123, MeSH D030342.

Allele frequency attached by ClinVar (database versions not stated): TOPMed below 0.00001; gnomAD 0.00001; gnomAD exomes 0.00001; ExAC 0.00004; ESP Exome Variant Server 0.00008.
gnomAD v4.1: 10 of 1,613,992 alleles (0.00062%); highest among the groups gnomAD compares: Non-Finnish European, 0.00076%; no homozygotes.

Submissions (3):

Women's Health and Genetics/Laboratory Corporation of America, LabCorp
Classification: Uncertain significance. Last evaluated: 2025-09-04. Review status: criteria provided, single submitter. Criteria: LabCorp Variant Classification Summary - May 2015. Collection method: clinical testing. Allele origin: germline.
Comment: Variant summary: KAT6A c.4475A>G (p.Gln1492Arg) results in a conservative amino acid change in the encoded protein sequence. Algorithms developed to predict the effect of missense changes on protein structure and function are either unavailable or do not agree on the potential impact of this missense change. The variant allele was found at a frequency of 2e-05 in 251468 control chromosomes. The available data on variant occurrences in the general population are insufficient to allow any conclusion about variant significance. To our knowledge, no occurrence of c.4475A>G in individuals affected with KAT6A-related conditions and no experimental evidence demonstrating its impact on protein function have been reported. ClinVar contains an entry for this variant (Variation ID: 2071847). Based on the evidence outlined above, the variant was classified as uncertain significance.

Labcorp Genetics (formerly Invitae), Labcorp
Classification: Likely benign. Last evaluated: 2025-05-05. Review status: criteria provided, single submitter. Criteria: Invitae Variant Classification Sherloc (09022015). Collection method: clinical testing. Allele origin: germline.

Ambry Genetics
Classification: Likely benign for Inborn genetic diseases. Last evaluated: 2024-11-25. Review status: criteria provided, single submitter. Criteria: Ambry Variant Classification Scheme 2023. Collection method: clinical testing. Allele origin: germline.